The following is an entry in ClinVar:

ClinVar aggregate classification (germline): Uncertain significance (1 of 4 stars; one submission).

Conditions:
Epidermolysis bullosa simplex with nail dystrophy (EBS5D). Identifiers: MedGen C4225309, MONDO:0014661, OMIM 616487.
Epidermolysis bullosa simplex 5C, with pyloric atresia (EBS5C). Also called: PLEC-Related Epidermolysis Bullosa with Pyloric Atresia; Epidermolysis bullosa simplex with pyloric atresia; PLEC1-Related Epidermolysis Bullosa with Pyloric Atresia. Identifiers: Orphanet 158684, MedGen C2677349, MONDO:0012807, OMIM 612138.
Autosomal recessive limb-girdle muscular dystrophy type 2Q (LGMDR17). Also called: MUSCULAR DYSTROPHY, LIMB-GIRDLE, AUTOSOMAL RECESSIVE 17. Identifiers: Orphanet 254361, MedGen C3150989, MONDO:0013390, OMIM 613723.
Epidermolysis bullosa simplex, Ogna type (EBS5A). Also called: Pidermolysis bullosa simplex 5A, Ogna type; EPIDERMOLYSIS BULLOSA SIMPLEX 5A, OGNA TYPE. Identifiers: Orphanet 79401, MedGen C0432317, MONDO:0007555, OMIM 131950.
Epidermolysis bullosa simplex 5B, with muscular dystrophy (EBS5B). Also called: EPIDERMOLYSIS BULLOSA SIMPLEX AND LIMB-GIRDLE MUSCULAR DYSTROPHY; Epidermolysis bullosa simplex with muscular dystrophy. Identifiers: Orphanet 257, MedGen C2931072, MONDO:0009181, OMIM 226670.

Submission:

Labcorp Genetics (formerly Invitae), Labcorp
Classification: Uncertain significance for Autosomal recessive limb-girdle muscular dystrophy type 2Q; Epidermolysis bullosa simplex, Ogna type; Epidermolysis bullosa simplex with nail dystrophy; Epidermolysis bullosa simplex 5C, with pyloric atresia; Epidermolysis bullosa simplex 5B, with muscular dystrophy. Last evaluated: 2023-06-17. Review status: criteria provided, single submitter. Criteria: Invitae Variant Classification Sherloc (09022015). Collection method: clinical testing. Allele origin: germline.
Comment: This variant, c.6024_6047dup, results in the insertion of 8 amino acid(s) of the PLEC protein (p.Arg2009_Arg2016dup), but otherwise preserves the integrity of the reading frame. This variant is not present in population databases (gnomAD no frequency). This variant has not been reported in the literature in individuals affected with PLEC-related conditions. In summary, the available evidence is currently insufficient to determine the role of this variant in disease. Therefore, it has been classified as a Variant of Uncertain Significance.

NM_201384.3(PLEC):c.5943_5966dup (p.Arg1989_Val1990insArgArgArgGluAlaGluGluArg)

Gene: PLEC (plectin; minus strand). Cytogenetic location: 8q24.3.
Variant type: Duplication.
Coding change: c.5943_5966dup on transcript NM_201384.3 (MANE Select); coding-DNA positions 5943 to 5966, 24 bases duplicated (GCGGCGCCGTGAGGCTGAGGAGCG).
Protein change: p.Arg1989_Val1990insArgArgArgGluAlaGluGluArg.
Molecular consequence: inframe insertion. On other transcripts: intron variant (1).
Genome position (GRCh38, 1-based): chr8:143,923,963-143,923,986, CGCTCCTCAGCCTCACGGCGCCGC duplicated on the plus strand (GCGGCGCCGTGAGGCTGAGGAGCG on the coding strand, the reverse complement: PLEC is on the minus strand); duplicating any 24 consecutive bases within chr8:143,923,963-143,923,994 gives the same sequence; the c. name uses the placement nearest the transcript's 3' end. VCF-style (leftmost placement, unchanged base first): chr8-143923962-G-GCGCTCCTCAGCCTCACGGCGCCGC. GRCh37 (hg19) VCF-style: chr8-144998130-G-GCGCTCCTCAGCCTCACGGCGCCGC.
Other names: c.6024_6047dup, p.Arg2016_Val2017insArgArgArgGluAlaGluGluArg (NM_000445.5); c.5901_5924dup, p.Arg1975_Val1976insArgArgArgGluAlaGluGluArg (NM_201378.4); c.5877_5900dup, p.Arg1967_Val1968insArgArgArgGluAlaGluGluArg (NM_201379.3); c.6354_6377dup, p.Arg2126_Val2127insArgArgArgGluAlaGluGluArg (NM_201380.4); c.5847_5870dup, p.Arg1957_Val1958insArgArgArgGluAlaGluGluArg (NM_201381.3); c.5943_5966dup, p.Arg1989_Val1990insArgArgArgGluAlaGluGluArg (NM_201382.4); c.5955_5978dup, p.Arg1993_Val1994insArgArgArgGluAlaGluGluArg (NM_201383.3); c.4126-1591_4126-1568dup (NM_001410941.1).
Identifiers: ClinVar variation 2936369 (VCV002936369.3), dbSNP rs2537824412, ClinGen allele CA2740095393.